The following is an entry in ClinVar:

ClinVar aggregate classification (germline): Uncertain significance. Review status: criteria provided, multiple submitters, no conflicts (2 of 4 stars). 3 submissions from 3 submitters: Uncertain significance (3). Last evaluated 2024-04-15.

Conditions:
Spastic paraplegia. Identifiers: MedGen C0037772, HP:0001258.
Inborn genetic diseases. Identifiers: MedGen C0950123, MeSH D030342.

Allele frequency attached by ClinVar (database versions not stated): gnomAD 0.00001; TOPMed 0.00001.
gnomAD v4.1: 5 of 1,614,052 alleles (0.00031%); highest among the groups gnomAD compares: Admixed American, 0.0067%; no homozygotes.

Submissions (3):

Ambry Genetics
Classification: Uncertain significance for Inborn genetic diseases. Last evaluated: 2024-04-15. Review status: criteria provided, single submitter. Criteria: Ambry Variant Classification Scheme 2023. Collection method: clinical testing. Allele origin: germline.

Blueprint Genetics
Classification: Uncertain significance. Last evaluated: 2021-09-27. Review status: criteria provided, single submitter. Criteria: ACMG Guidelines, 2015. Collection method: clinical testing. Allele origin: germline.

Labcorp Genetics (formerly Invitae), Labcorp
Classification: Uncertain significance for Spastic paraplegia. Last evaluated: 2021-09-02. Review status: criteria provided, single submitter. Criteria: Invitae Variant Classification Sherloc (09022015). Collection method: clinical testing. Allele origin: germline.
Comment: This sequence change replaces proline with serine at codon 862 of the ZFYVE26 protein (p.Pro862Ser). The proline residue is highly conserved and there is a moderate physicochemical difference between proline and serine. This variant is present in population databases (rs748628696, ExAC 0.009%). This variant has not been reported in the literature in individuals affected with ZFYVE26-related conditions. Algorithms developed to predict the effect of missense changes on protein structure and function (SIFT, PolyPhen-2, Align-GVGD) all suggest that this variant is likely to be tolerated. In summary, the available evidence is currently insufficient to determine the role of this variant in disease. Therefore, it has been classified as a Variant of Uncertain Significance.

NM_015346.4(ZFYVE26):c.2584C>T (p.Pro862Ser)

Gene: ZFYVE26 (zinc finger FYVE-type containing 26; minus strand). Cytogenetic location: 14q24.1.
Variant type: single nucleotide variant.
Coding change: c.2584C>T on transcript NM_015346.4 (MANE Select); coding-DNA position 2584, C replaced by T.
Protein change: p.Pro862Ser; replaces proline 862 with serine.
Molecular consequence: missense variant.
Genome position (GRCh38, 1-based): chr14:67,790,743, G>A on the plus strand (C>T on the coding strand, the complement: ZFYVE26 is on the minus strand). VCF-style: chr14-67790743-G-A. GRCh37 (hg19) VCF-style: chr14-68257460-G-A.
Other names: c.2584C>T (NM_015346.3); short protein forms P862S.
Identifiers: ClinVar variation 1926875 (VCV001926875.4), dbSNP rs748628696, ClinGen allele CA7240222.